The following is an entry in ClinVar:

NM_004959.5(NR5A1):c.236G>C (p.Arg79Pro)

Gene: NR5A1 (nuclear receptor subfamily 5 group A member 1; minus strand). Cytogenetic location: 9q33.3.
Variant type: single nucleotide variant.
Coding change: c.236G>C on transcript NM_004959.5 (MANE Select); coding-DNA position 236, G replaced by C.
Protein change: p.Arg79Pro; replaces arginine 79 with proline.
Molecular consequence: missense variant.
Genome position (GRCh38, 1-based): chr9:124,503,087, C>G on the plus strand (G>C on the coding strand, the complement: NR5A1 is on the minus strand). VCF-style: chr9-124503087-C-G. GRCh37 (hg19) VCF-style: chr9-127265366-C-G.
Other names: short protein forms R79P.
Identifiers: ClinVar variation 2941241 (VCV002941241.3), dbSNP rs2538687076, ClinGen allele CA374890084.
Genomic context (GRCh38, chr9:124,503,087, plus strand): 5'-CTACCCCCTCAGGCTGTGGGGGGTCAGGGGTCGAGGCCCGCGCGGCGCGCACCTTCCAGG[C>G]GCATCCCCACCGTCAGGCATTTCTGGAAGCGGCAGAAGGGACAGCGCTTGCGCTGCGTCT-3'
Protein context (NP_004950.2, residues 69-89): RFQKCLTVGM[Arg79Pro]LEAVRADRMR

ClinVar aggregate classification (germline): Pathogenic (1 of 4 stars; one submission).

Conditions:
Oligosynaptic infertility (SPGF1). Also called: SPERMATOGENIC FAILURE 1; OLIGOCHIASMATIC INFERTILITY. Identifiers: MedGen C0403810, MONDO:0009776, OMIM 258150.
46 XY differences of sex development. Also called: 46, XY disorder of sex development (DSD); 46,XY disorder of sex development. Identifiers: Orphanet 98085, MedGen C2751824, MONDO:0020040.

Submission:

Labcorp Genetics (formerly Invitae), Labcorp
Classification: Pathogenic for 46 XY differences of sex development; Oligosynaptic infertility. Last evaluated: 2022-11-21. Review status: criteria provided, single submitter. Criteria: Invitae Variant Classification Sherloc (09022015). Collection method: clinical testing. Allele origin: germline.
Comment: This variant is not present in population databases (gnomAD no frequency). This missense change has been observed in individual(s) with clinical features of NR5A1-related conditions (Invitae). In at least one individual the variant was observed to be de novo. Advanced modeling of protein sequence and biophysical properties (such as structural, functional, and spatial information, amino acid conservation, physicochemical variation, residue mobility, and thermodynamic stability) performed at Invitae indicates that this missense variant is expected to disrupt NR5A1 protein function. For these reasons, this variant has been classified as Pathogenic. This sequence change replaces arginine, which is basic and polar, with proline, which is neutral and non-polar, at codon 79 of the NR5A1 protein (p.Arg79Pro).